The following is an entry in ClinVar:

ClinVar aggregate classification (germline): Uncertain significance (1 of 4 stars; one submission).

Allele frequency attached by ClinVar (database versions not stated): ExAC 0.00008; ESP Exome Variant Server 0.00008; gnomAD exomes 0.00008; gnomAD 0.00010 and 0.00011; TOPMed 0.00015.
gnomAD v4.1: 81 of 1,614,050 alleles (0.005%); highest among the groups gnomAD compares: Admixed American, 0.03%; 1 homozygote.

Submission:

Labcorp Genetics (formerly Invitae), Labcorp
Classification: Uncertain significance. Last evaluated: 2025-12-26. Review status: criteria provided, single submitter. Criteria: Invitae Variant Classification Sherloc (09022015). Collection method: clinical testing. Allele origin: germline.
Comment: This sequence change replaces arginine, which is basic and polar, with histidine, which is basic and polar, at codon 89 of the KIF20A protein (p.Arg89His). This variant is present in population databases (rs370256011, gnomAD 0.04%). This variant has not been reported in the literature in individuals affected with KIF20A-related conditions. ClinVar contains an entry for this variant (Variation ID: 1365302). An algorithm developed to predict the effect of missense changes on protein structure and function outputs the following: PolyPhen-2: "Benign". The histidine amino acid residue is found in multiple mammalian species, which suggests that this missense change does not adversely affect protein function. In summary, the available evidence is currently insufficient to determine the role of this variant in disease. Therefore, it has been classified as a Variant of Uncertain Significance.

NM_005733.3(KIF20A):c.266G>A (p.Arg89His)

Gene: KIF20A (kinesin family member 20A; plus strand). Cytogenetic location: 5q31.2.
Variant type: single nucleotide variant.
Coding change: c.266G>A on transcript NM_005733.3 (MANE Select); coding-DNA position 266, G replaced by A.
Protein change: p.Arg89His; replaces arginine 89 with histidine.
Molecular consequence: missense variant.
Genome position (GRCh38, 1-based): chr5:138,181,619, G>A. VCF-style: chr5-138181619-G-A. GRCh37 (hg19) VCF-style: chr5-137517308-G-A.
Other names: short protein forms R89H.
Identifiers: ClinVar variation 1365302 (VCV001365302.6), dbSNP rs370256011, ClinGen allele CA3426269.